The following is an entry in ClinVar:

NM_005518.4(HMGCS2):c.754A>G (p.Ile252Val)

Gene: HMGCS2 (3-hydroxy-3-methylglutaryl-CoA synthase 2; minus strand). Cytogenetic location: 1p12.
Variant type: single nucleotide variant.
Coding change: c.754A>G on transcript NM_005518.4 (MANE Select); coding-DNA position 754, A replaced by G.
Protein change: p.Ile252Val; replaces isoleucine 252 with valine.
Molecular consequence: missense variant.
Genome position (GRCh38, 1-based): chr1:119,759,214, T>C on the plus strand (A>G on the coding strand, the complement: HMGCS2 is on the minus strand). VCF-style: chr1-119759214-T-C. GRCh37 (hg19) VCF-style: chr1-120301837-T-C.
Other names: c.628A>G, p.Ile210Val (NM_001166107.1); short protein forms I252V, I210V.
Identifiers: ClinVar variation 2072671 (VCV002072671.5), dbSNP rs767113695, ClinGen allele CA1037800.

ClinVar aggregate classification (germline): Uncertain significance. Review status: criteria provided, multiple submitters, no conflicts (2 of 4 stars). 2 submissions from 2 submitters: Uncertain significance (2). Last evaluated 2025-06-26.

Conditions:
HMGCS2-related disorder. Also called: HMGCS2-related condition.
3-hydroxy-3-methylglutaryl-CoA synthase deficiency (HMGCS2D). Also called: HMG-CoA synthase-2 deficiency; HMGCS2 DEFICIENCY; MITOCHONDRIAL HMG-CoA SYNTHASE DEFICIENCY. Identifiers: Orphanet 35701, MedGen C2751532, MONDO:0011614, OMIM 605911.

Allele frequency attached by ClinVar (database versions not stated): gnomAD 0.00001; ExAC 0.00002; TOPMed 0.00002; gnomAD exomes 0.00003.
gnomAD v4.1: 44 of 1,614,002 alleles (0.0027%); highest among the groups gnomAD compares: Non-Finnish European, 0.0036%; no homozygotes.

Submissions (2):

PreventionGenetics, part of Exact Sciences
Classification: Uncertain significance for HMGCS2-related condition. Last evaluated: 2025-06-26. Review status: criteria provided, single submitter. Criteria: ACMG Guidelines, 2015. Collection method: clinical testing. Allele origin: germline.
Comment: The HMGCS2 c.754A>G variant is predicted to result in the amino acid substitution p.Ile252Val. This variant has been reported in the heterozygous state in an individual with persistent (unexplained) respiratory problems, although no additional information was provided to support its pathogenicity (Alsamri et al. 2020. PubMed ID: 32662942). This variant is reported in 0.0023% of alleles in individuals of European (Non-Finnish) descent in gnomAD. At this time, the clinical significance of this variant is uncertain due to the absence of conclusive functional and genetic evidence.

Labcorp Genetics (formerly Invitae), Labcorp
Classification: Uncertain significance for 3-hydroxy-3-methylglutaryl-CoA synthase deficiency. Last evaluated: 2022-03-04. Review status: criteria provided, single submitter. Criteria: Invitae Variant Classification Sherloc (09022015). Collection method: clinical testing. Allele origin: germline.
Comment: In summary, the available evidence is currently insufficient to determine the role of this variant in disease. Therefore, it has been classified as a Variant of Uncertain Significance. Algorithms developed to predict the effect of missense changes on protein structure and function output the following: SIFT: "Tolerated"; PolyPhen-2: "Benign"; Align-GVGD: "Class C0". The valine amino acid residue is found in multiple mammalian species, which suggests that this missense change does not adversely affect protein function. This variant has not been reported in the literature in individuals affected with HMGCS2-related conditions. This variant is present in population databases (rs767113695, gnomAD 0.002%). This sequence change replaces isoleucine, which is neutral and non-polar, with valine, which is neutral and non-polar, at codon 252 of the HMGCS2 protein (p.Ile252Val).